The following is an entry in ClinVar:

ClinVar aggregate classification (germline): Uncertain significance (1 of 4 stars; one submission).

Allele frequency attached by ClinVar (database versions not stated): gnomAD 0.00001.

Submission:

Greenwood Genetic Center Diagnostic Laboratories, Greenwood Genetic Center
Classification: Uncertain significance. Last evaluated: 2021-12-13. Review status: criteria provided, single submitter. Criteria: ACMG Guidelines, 2015. Collection method: clinical testing. Allele origin: germline. Affected: yes.
Comment: PM2

NM_001375524.1(TRRAP):c.450+859A>G

Gene: TRRAP (transformation/transcription domain associated protein; plus strand). Cytogenetic location: 7q22.1.
Variant type: single nucleotide variant.
Coding change: c.450+859A>G on transcript NM_001375524.1 (MANE Select); 859 bases into the intron after coding-DNA position 450, A replaced by G.
Molecular consequence: intron variant.
Genome position (GRCh38, 1-based): chr7:98,894,740, A>G. VCF-style: chr7-98894740-A-G. GRCh37 (hg19) VCF-style: chr7-98492363-A-G.
Other names: c.450+859A>G (NM_001244580.2, NM_003496.4).
Identifiers: ClinVar variation 1334689 (VCV001334689.4), dbSNP rs1027351299, ClinGen allele CA163051941.